The following is an entry in ClinVar:

ClinVar aggregate classification (germline): Conflicting classifications of pathogenicity. Review status: criteria provided, conflicting classifications (1 of 4 stars). 2 submissions from 2 submitters: Uncertain significance (1); Likely benign (1). Last evaluated 2025-04-29.

Conditions:
Inborn genetic diseases. Identifiers: MedGen C0950123, MeSH D030342.
Landau-Kleffner syndrome (FESD). Also called: APHASIA, ACQUIRED, WITH EPILEPSY; EPILEPSY, FOCAL, WITH SPEECH DISORDER AND WITH OR WITHOUT MENTAL RETARDATION. Identifiers: Orphanet 1945, Orphanet 725, Orphanet 98818, MedGen C0282512, MONDO:0009509, OMIM 245570.

Allele frequency attached by ClinVar (database versions not stated): gnomAD exomes 0.00001 and below 0.00001; ExAC 0.00001.
gnomAD v4.1: 2 of 1,614,060 alleles (0.00012%); highest among the groups gnomAD compares: Non-Finnish European, 0.000085%; no homozygotes.

Submissions (2):

Labcorp Genetics (formerly Invitae), Labcorp
Classification: Likely benign for Landau-Kleffner syndrome. Last evaluated: 2025-04-29. Review status: criteria provided, single submitter. Criteria: Invitae Variant Classification Sherloc (09022015). Collection method: clinical testing. Allele origin: germline.

Ambry Genetics
Classification: Uncertain significance for Inborn genetic diseases. Last evaluated: 2018-02-21. Review status: criteria provided, single submitter. Criteria: Ambry Variant Classification Scheme 2023. Collection method: clinical testing. Allele origin: germline.
Comment: The p.S1370C variant (also known as c.4109C>G), located in coding exon 12 of the GRIN2A gene, results from a C to G substitution at nucleotide position 4109. The serine at codon 1370 is replaced by cysteine, an amino acid with dissimilar properties. This amino acid position is not well conserved in available vertebrate species, and cysteine is the reference amino acid in other vertebrate species. In addition, this alteration is predicted to be tolerated by in silico analysis. Since supporting evidence is limited at this time, the clinical significance of this alteration remains unclear.

NM_001134407.3(GRIN2A):c.4109C>G (p.Ser1370Cys)

Gene: GRIN2A (glutamate ionotropic receptor NMDA type subunit 2A; minus strand). Cytogenetic location: 16p13.2.
Variant type: single nucleotide variant.
Coding change: c.4109C>G on transcript NM_001134407.3 (MANE Select); coding-DNA position 4109, C replaced by G.
Protein change: p.Ser1370Cys; replaces serine 1370 with cysteine.
Molecular consequence: missense variant. On other transcripts: intron variant (1).
Genome position (GRCh38, 1-based): chr16:9,763,435, G>C on the plus strand (C>G on the coding strand, the complement: GRIN2A is on the minus strand). VCF-style: chr16-9763435-G-C. GRCh37 (hg19) VCF-style: chr16-9857292-G-C.
Other names: c.4109C>G, p.Ser1370Cys (NM_000833.5); c.3773-7C>G (NM_001134408.2); short protein forms S1370C.
Identifiers: ClinVar variation 833932 (VCV000833932.12), dbSNP rs762981158, ClinGen allele CA7896211.